The following is an entry in ClinVar:

NM_000059.4(BRCA2):c.4433T>C (p.Leu1478Pro)

Gene: BRCA2 (BRCA2 DNA repair associated; plus strand). Cytogenetic location: 13q13.1.
Variant type: single nucleotide variant.
Coding change: c.4433T>C on transcript NM_000059.4 (MANE Select); coding-DNA position 4433, T replaced by C.
Protein change: p.Leu1478Pro; replaces leucine 1478 with proline.
Molecular consequence: missense variant.
Genome position (GRCh38, 1-based): chr13:32,338,788, T>C. VCF-style: chr13-32338788-T-C. GRCh37 (hg19) VCF-style: chr13-32912925-T-C.
Other names: short protein forms L1478P.
Identifiers: ClinVar variation 1171529 (VCV001171529.5), dbSNP rs1382689372, ClinGen allele CA387781301.
Genomic context (GRCh38, chr13:32,338,788, plus strand): 5'-ATAACTTTTCCTTAAATTCTGAATTACATTCTGACATAAGAAAGAACAAAATGGACATTC[T>C]AAGTTATGAGGAAACAGACATAGTTAAACACAAAATACTGAAAGAAAGTGTCCCAGTTGG-3'
Protein context (NP_000050.3, residues 1468-1488): SDIRKNKMDI[Leu1478Pro]SYEETDIVKH

ClinVar aggregate classification (germline): Conflicting classifications of pathogenicity. Review status: criteria provided, conflicting classifications (1 of 4 stars). 2 submissions from 2 submitters: Uncertain significance (1); Likely benign (1). Last evaluated 2024-03-06.

Conditions:
Hereditary cancer-predisposing syndrome. Also called: Tumor predisposition; Hereditary neoplastic syndrome; Hereditary Cancer Syndrome; Neoplastic Syndromes, Hereditary. Identifiers: Orphanet 140162, MedGen C0027672, MeSH D009386, MONDO:0015356.

Allele frequency attached by ClinVar (database versions not stated): gnomAD exomes 0.00001.

Submissions (2):

Color Diagnostics, LLC DBA Color Health
Classification: Uncertain significance for Hereditary cancer-predisposing syndrome. Last evaluated: 2024-03-06. Review status: criteria provided, single submitter. Criteria: ACMG Guidelines, 2015. Collection method: clinical testing. Allele origin: germline.
Comment: This missense variant replaces leucine with proline at codon 1478 of the BRCA2 protein. Computational prediction suggests that this variant may not impact protein structure and function (internally defined REVEL score threshold <= 0.5, PMID: 27666373). To our knowledge, functional studies have not been reported for this variant. This variant has not been reported in individuals affected with hereditary cancer in the literature. This variant has been identified in 2/249570 chromosomes in the general population by the Genome Aggregation Database (gnomAD). The available evidence is insufficient to determine the role of this variant in disease conclusively. Therefore, this variant is classified as a Variant of Uncertain Significance.

University of Washington Department of Laboratory Medicine, University of Washington
Classification: Likely benign for Hereditary cancer-predisposing syndrome. Last evaluated: 2023-03-23. Review status: criteria provided, single submitter. Criteria: Dines et al. (Genet Med. 2020). Collection method: curation. Allele origin: germline.
Comment: Missense variant in a coldspot region where missense variants are very unlikely to be pathogenic (PMID:31911673).

BRCA2 exon 11 coldspot. Reclassification based on statistical prior probability.